The following is an entry in ClinVar:

ClinVar aggregate classification (germline): Uncertain significance. Review status: criteria provided, multiple submitters, no conflicts (2 of 4 stars). 8 submissions from 8 submitters: Uncertain significance (7). 1 of the submissions does not count toward it. Last evaluated 2026-04-28.

Conditions:
Inborn genetic diseases. Identifiers: MedGen C0950123, MeSH D030342.
High myopia-sensorineural deafness syndrome. Also called: Deafness and myopia. Identifiers: Orphanet 363396, MedGen C3806275, MONDO:0009082, OMIM 221200.
SLITRK6-related disorder. Also called: SLITRK6-related condition.

Allele frequency attached by ClinVar (database versions not stated): gnomAD exomes 0.00014 and 0.00023; 1000 Genomes Project 30x 0.00016; ExAC 0.00018; 1000 Genomes Project 0.00020; gnomAD 0.00022 and 0.00024; ESP Exome Variant Server 0.00025; TOPMed 0.00026.
gnomAD v4.1: 253 of 1,613,064 alleles (0.016%); highest among the groups gnomAD compares: Middle Eastern, 0.13%; no homozygotes.

Submissions (8):

Women's Health and Genetics/Laboratory Corporation of America, LabCorp
Classification: Uncertain significance. Last evaluated: 2026-04-28. Review status: criteria provided, single submitter. Criteria: LabCorp Variant Classification Summary - May 2015. Collection method: clinical testing. Allele origin: germline.
Comment: Variant summary: SLITRK6 c.2413T>C (p.Tyr805His) results in a conservative amino acid change in the encoded protein sequence. Algorithms developed to predict the effect of missense changes on protein structure and function are either unavailable or do not agree on the potential impact of this missense change. The variant allele was found at a frequency of 0.00023 in 247932 control chromosomes. This frequency is not significantly higher than estimated for disease-causing variants in SLITRK6, allowing no conclusion about variant significance. c.2413T>C has been observed in individual(s) affected with hearing loss without strong evidence for causality (e.g. ElNaofal_2023, Florentine_2022). These report(s) do not provide unequivocal conclusions about association of the variant with High Myopia-Sensorineural Deafness Syndrome. To our knowledge, no experimental evidence demonstrating an impact on protein function has been reported. The following publications have been ascertained in the context of this evaluation (PMID: 36703223, 34515852). ClinVar contains an entry for this variant (Variation ID: 1197937). Based on the evidence outlined above, the variant was classified as uncertain significance.

Labcorp Genetics (formerly Invitae), Labcorp
Classification: Uncertain significance. Last evaluated: 2025-12-01. Review status: criteria provided, single submitter. Criteria: Invitae Variant Classification Sherloc (09022015). Collection method: clinical testing. Allele origin: germline.
Comment: This sequence change replaces tyrosine, which is neutral and polar, with histidine, which is basic and polar, at codon 805 of the SLITRK6 protein (p.Tyr805His). This variant is present in population databases (rs200882739, gnomAD 0.06%). This missense change has been observed in individual(s) with deafness (PMID: 34515852, 36703223). ClinVar contains an entry for this variant (Variation ID: 1197937). An algorithm developed to predict the effect of missense changes on protein structure and function (PolyPhen-2) suggests that this variant is likely to be disruptive. In summary, the available evidence is currently insufficient to determine the role of this variant in disease. Therefore, it has been classified as a Variant of Uncertain Significance.

Blueprint Genetics
Classification: Uncertain significance. Last evaluated: 2024-09-13. Review status: criteria provided, single submitter. Criteria: ACMG Guidelines, 2015. Collection method: clinical testing. Allele origin: germline.

Ambry Genetics
Classification: Uncertain significance for Inborn genetic diseases. Last evaluated: 2021-09-16. Review status: criteria provided, single submitter. Criteria: Ambry Variant Classification Scheme 2023. Collection method: clinical testing. Allele origin: germline.

GeneDx
Classification: Uncertain significance. Last evaluated: 2020-04-06. Review status: criteria provided, single submitter. Criteria: GeneDx Variant Classification Process June 2021. Collection method: clinical testing. Allele origin: germline. Affected: yes.
Comment: In silico analysis, which includes protein predictors and evolutionary conservation, supports that this variant does not alter protein structure/function; Has not been previously published as pathogenic or benign to our knowledge

Dubai Health Genomic Medicine Center, Dubai Health
Classification: Uncertain significance for High myopia-sensorineural deafness syndrome. Last evaluated: 2020-02-11. Review status: criteria provided, single submitter. Criteria: ACMG Guidelines, 2015. Collection method: clinical testing. Allele origin: germline. Affected: yes.
Comment: The p.Tyr805His variant in SLITRK6 has not been previously reported in individuals with hearing loss but has been identified in 0.02% (63/279316 0 homozygotes) total alleles by the Genome Aggregation Database (gnomAD). Computational prediction tools and conservation analysis suggest that this variant may impact the protein though this information is not predictive enough to prove pathogenicity. In summary more information is needed to determine the clinical significance of this variant.

Breakthrough Genomics
Classification: Uncertain significance. Review status: criteria provided, single submitter. Criteria: ACMG Guidelines, 2015. Collection method: not provided. Allele origin: germline. Inheritance: Autosomal recessive inheritance. Affected: yes.

PreventionGenetics, part of Exact Sciences
Classification: Uncertain significance for SLITRK6-related condition. Last evaluated: 2024-03-25. Review status: no assertion criteria provided. Collection method: clinical testing. Allele origin: germline. Not counted in ClinVar's aggregate classification.
Comment: The SLITRK6 c.2413T>C variant is predicted to result in the amino acid substitution p.Tyr805His. This variant has been reported in an individual with hearing loss (El Naofal et al 2023. PubMed ID: 36703223). This variant is reported in 0.060% of alleles in individuals of Latino descent in gnomAD. At this time, the clinical significance of this variant is uncertain due to the absence of conclusive functional and genetic evidence.

Literature cited by the submitters: PubMed 34515852 (cited by Women's Health and Genetics/Laboratory Corporation of America, LabCorp and Labcorp Genetics (formerly Invitae), Labcorp); PubMed 36703223 (cited by Women's Health and Genetics/Laboratory Corporation of America, LabCorp and Labcorp Genetics (formerly Invitae), Labcorp).

NM_032229.3(SLITRK6):c.2413T>C (p.Tyr805His)

Gene: SLITRK6 (SLIT and NTRK like family member 6; minus strand). Cytogenetic location: 13q31.1.
Variant type: single nucleotide variant.
Coding change: c.2413T>C on transcript NM_032229.3 (MANE Select); coding-DNA position 2413, T replaced by C.
Protein change: p.Tyr805His; replaces tyrosine 805 with histidine.
Molecular consequence: missense variant.
Genome position (GRCh38, 1-based): chr13:85,794,096, A>G on the plus strand (T>C on the coding strand, the complement: SLITRK6 is on the minus strand). VCF-style: chr13-85794096-A-G. GRCh37 (hg19) VCF-style: chr13-86368231-A-G.
Other names: short protein forms Y805H.
Identifiers: ClinVar variation 1197937 (VCV001197937.13), dbSNP rs200882739, ClinGen allele CA7014902.